The following is an entry in ClinVar:

ClinVar aggregate classification (germline): Uncertain significance. Review status: criteria provided, single submitter (1 of 4 stars). 2 submissions from 2 submitters: Uncertain significance (1). 1 of the submissions does not count toward it. Last evaluated 2025-04-17.

Conditions:
PLXNA1-related disorder. Also called: PLXNA1-related condition.

gnomAD v4.1: 24 of 1,604,638 alleles (0.0015%); highest among the groups gnomAD compares: East Asian, 0.02%; no homozygotes.

Submissions (2):

Ambry Genetics
Classification: Uncertain significance. Last evaluated: 2025-04-17. Review status: criteria provided, single submitter. Criteria: Ambry Variant Classification Scheme 2023. Collection method: clinical testing. Allele origin: germline.

PreventionGenetics, part of Exact Sciences
Classification: Uncertain significance for PLXNA1-related condition. Last evaluated: 2024-06-14. Review status: no assertion criteria provided. Collection method: clinical testing. Allele origin: germline. Not counted in ClinVar's aggregate classification.
Comment: The PLXNA1 c.2995C>T variant is predicted to result in the amino acid substitution p.Arg999Trp. To our knowledge, this variant has not been reported in the literature. This variant is reported in 0.013% of alleles in individuals of South Asian descent in gnomAD. At this time, the clinical significance of this variant is uncertain due to the absence of conclusive functional and genetic evidence.

NM_032242.4(PLXNA1):c.2995C>T (p.Arg999Trp)

Genes: PLXNA1 (plexin A1; plus strand), LOC129937476 (ATAC-STARR-seq lymphoblastoid active region 20450; plus strand). Cytogenetic location: 3q21.3.
Variant type: single nucleotide variant.
Coding change: c.2995C>T on transcript NM_032242.4 (MANE Select); coding-DNA position 2995, C replaced by T.
Protein change: p.Arg999Trp; replaces arginine 999 with tryptophan.
Molecular consequence: missense variant.
Genome position (GRCh38, 1-based): chr3:127,015,301, C>T. VCF-style: chr3-127015301-C-T. GRCh37 (hg19) VCF-style: chr3-126734144-C-T.
Other names: short protein forms R999W.
Identifiers: ClinVar variation 3358504 (VCV003358504.2).